The following is an entry in ClinVar:

ClinVar aggregate classification (germline): Uncertain significance. Review status: criteria provided, multiple submitters, no conflicts (2 of 4 stars). 3 submissions from 3 submitters: Uncertain significance (3). Last evaluated 2025-08-06.

Conditions:
Hereditary cancer-predisposing syndrome. Also called: Neoplastic Syndromes, Hereditary; Tumor predisposition; Hereditary Cancer Syndrome; Hereditary neoplastic syndrome. Identifiers: Orphanet 140162, MedGen C0027672, MeSH D009386, MONDO:0015356.

Submissions (3):

Labcorp Genetics (formerly Invitae), Labcorp
Classification: Uncertain significance. Last evaluated: 2025-08-06. Review status: criteria provided, single submitter. Criteria: Invitae Variant Classification Sherloc (09022015). Collection method: clinical testing. Allele origin: germline.
Comment: This variant, c.5904_5906dup, results in the insertion of 1 amino acid(s) of the POLE protein (p.Glu1969dup), but otherwise preserves the integrity of the reading frame. This variant is present in population databases (rs754275919, gnomAD 0.003%). This variant has not been reported in the literature in individuals affected with POLE-related conditions. ClinVar contains an entry for this variant (Variation ID: 484458). Experimental studies and prediction algorithms are not available or were not evaluated, and the functional significance of this variant is currently unknown. In summary, the available evidence is currently insufficient to determine the role of this variant in disease. Therefore, it has been classified as a Variant of Uncertain Significance.

Ambry Genetics
Classification: Uncertain significance for Hereditary cancer-predisposing syndrome. Last evaluated: 2025-03-17. Review status: criteria provided, single submitter. Criteria: Ambry Variant Classification Scheme 2023. Collection method: clinical testing. Allele origin: germline.
Comment: The c.5904_5906dupGGA variant (also known as p.E1969dup), located in coding exon 43 of the POLE gene, results from an in-frame GGA duplication at nucleotide positions 5904 and 5906. This results in the duplication of a glutamic acid residue at codon 1969. This amino acid position is not well conserved in available vertebrate species. In addition, this alteration is predicted to be neutral by in silico analysis (Choi Y et al. PLoS ONE. 2012; 7(10):e46688). Based on the available evidence, the clinical significance of this variant remains unclear.

GeneDx
Classification: Uncertain significance. Last evaluated: 2019-10-10. Review status: criteria provided, single submitter. Criteria: GeneDx Variant Classification Process June 2021. Collection method: clinical testing. Allele origin: germline. Affected: yes.
Comment: Not observed at a significant frequency in large population cohorts (Lek 2016); In-frame insertion of 1 amino acid in a non-repeat region; In silico analysis, which includes protein predictors and evolutionary conservation, supports that this variant does not alter protein structure/function

NM_006231.4(POLE):c.5901GGA[3] (p.Glu1969dup)

Gene: POLE (DNA polymerase epsilon, catalytic subunit; minus strand). Cytogenetic location: 12q24.33.
Variant type: Microsatellite.
Coding change: c.5901GGA[3] on transcript NM_006231.4 (MANE Select); three copies in a row of the 3-base unit GGA starting at c.5901; the reference has two copies in a row; one copy, 3 bases duplicated; also written c.5904_5906dup.
Protein change: p.Glu1969dup; duplicates glutamic acid 1969.
Molecular consequence: inframe insertion.
Genome position (GRCh38, 1-based): chr12:132,634,284-132,634,286, TCC duplicated on the plus strand (GGA on the coding strand, the reverse complement: POLE is on the minus strand); duplicating any 3 consecutive bases within chr12:132,634,284-132,634,289 gives the same sequence; the position shown is the placement nearest the transcript's 3' end. VCF-style (leftmost placement, unchanged base first): chr12-132634283-T-TTCC. GRCh37 (hg19) VCF-style: chr12-133210869-T-TTCC.
Other names: c.5904_5906dup (NM_006231.3); c.5904_5906dupGGA (NM_006231.2).
Identifiers: ClinVar variation 484458 (VCV000484458.16), dbSNP rs754275919, ClinGen allele CA6892340.